The following is an entry in ClinVar:

NM_000179.3(MSH6):c.1421_1422dup (p.Gln475fs)

Gene: MSH6 (mutS homolog 6; plus strand). Cytogenetic location: 2p16.3.
Variant type: Duplication.
Coding change: c.1421_1422dup on transcript NM_000179.3 (MANE Select); coding-DNA positions 1421 to 1422, 2 bases duplicated (TG; older notation c.1421_1422dupTG).
Protein change: p.Gln475fs; shifts the reading frame from glutamine 475.
Molecular consequence: frameshift variant.
Genome position (GRCh38, 1-based): chr2:47,799,404-47,799,405, TG duplicated; duplicating any 2 consecutive bases within chr2:47,799,403-47,799,405 gives the same sequence; the c. name uses the placement nearest the transcript's 3' end. VCF-style (leftmost placement, unchanged base first): chr2-47799402-G-GGT. GRCh37 (hg19) VCF-style: chr2-48026541-G-GGT.
Other names: c.1031_1032dup, p.Gln345fs (NM_001281492.2); c.515_516dup, p.Gln173fs (NM_001281493.2, NM_001281494.2); c.1421_1422dupTG (NM_000179.2); short protein forms Q173fs, Q345fs, Q475fs.
Identifiers: ClinVar variation 89193 (VCV000089193.25), dbSNP rs63750854, ClinGen allele CA008601.

ClinVar aggregate classification (germline): Pathogenic. Review status: reviewed by expert panel (3 of 4 stars). 8 submissions from 8 submitters: Pathogenic (1). 7 of the submissions do not count toward it. Last evaluated 2013-09-05.

Conditions:
Hereditary nonpolyposis colorectal neoplasms. Identifiers: MedGen C0009405, MeSH D003123.
Lynch syndrome. Identifiers: Orphanet 144, MedGen C4552100, MONDO:0005835. Disease mechanism: loss of function.
Hereditary cancer-predisposing syndrome. Also called: Tumor predisposition; Hereditary Cancer Syndrome; Hereditary neoplastic syndrome; Neoplastic Syndromes, Hereditary. Identifiers: Orphanet 140162, MedGen C0027672, MeSH D009386, MONDO:0015356.
Lynch syndrome 5 (LYNCH5). Also called: Colorectal cancer, hereditary nonpolyposis, type 5; Hereditary non-polyposis colorectal cancer, type 5. Identifiers: Orphanet 144, MedGen C1833477, MONDO:0013710, OMIM 614350. Disease mechanism: loss of function.
Endometrial carcinoma. Also called: Endometrial carcinoma, somatic. Identifiers: MedGen C0476089, MONDO:0002447, OMIM 608089, HP:0012114.

Submissions (8):

International Society for Gastrointestinal Hereditary Tumours (InSiGHT)
Classification: Pathogenic for Lynch Syndrome. Last evaluated: 2013-09-05. Review status: reviewed by expert panel. Criteria: Guidelines v1.9. Collection method: research. Allele origin: germline.
Comment: Coding sequence variation resulting in a stop codon

Classified with v1.9 guidelines

Ambry Genetics
Classification: Pathogenic for Hereditary cancer-predisposing syndrome. Last evaluated: 2025-09-09. Review status: criteria provided, single submitter. Criteria: Ambry Variant Classification Scheme 2023. Collection method: clinical testing. Allele origin: germline. Not counted in ClinVar's aggregate classification.
Comment: The c.1421_1422dupTG pathogenic mutation, located in coding exon 4 of the MSH6 gene, results from a duplication of TG at nucleotide position 1421, causing a translational frameshift with a predicted alternate stop codon (p.Q475Cfs*7). This mutation has been reported in multiple individuals with Lynch syndrome (Plaschke J et al. Int. J. Cancer. 2002 Feb;97:643-8; Steinke V et al. Eur. J. Hum. Genet. 2008 May;16:587-92; Kunstmann E et al. BMC Med. Genet. 2004 Jun;5:16; Moline J et al. Gynecol. Oncol. 2013 Jul;130:121-6). Additionally, this mutation has been reported in trans with another pathogenic MSH6 mutation in a sibling pair with constitutional mismatch repair-deficiency (CMMR-D) syndrome (Jasperson KW et al. Clin Genet. 2011;80:394&ndash;397). Of note, this alteration is also designated as nt1510insTG and c.1422_1423insTG in published literature. This alteration is expected to result in loss of function by premature protein truncation or nonsense-mediated mRNA decay. As such, this alteration is interpreted as a disease-causing mutation.

Color Diagnostics, LLC DBA Color Health
Classification: Pathogenic for Hereditary cancer-predisposing syndrome. Last evaluated: 2025-09-09. Review status: criteria provided, single submitter. Criteria: ACMG Guidelines, 2015. Collection method: clinical testing. Allele origin: germline. Not counted in ClinVar's aggregate classification.
Comment: This variant inserts 2 nucleotides in exon 4 of the MSH6 gene, creating a frameshift and premature translation stop signal. This variant is expected to result in an absent or non-functional protein product. To our knowledge, functional studies have not been reported for this variant. This variant has been reported in individuals affected with Lynch syndrome or suspected Lynch syndrome (PMID: 15483016, 15217520, 18301448, 21039432, 25430799, 27273229, 31822864), breast/ovarian cancer (PMID: 23612316, 27153395, 27616075). This variant has been identified in 1/251168 chromosomes in the general population by the Genome Aggregation Database (gnomAD). Loss of MSH6 function is a known mechanism of disease. Based on the available evidence, this variant is classified as Pathogenic.

Labcorp Genetics (formerly Invitae), Labcorp
Classification: Pathogenic for Hereditary nonpolyposis colorectal neoplasms. Last evaluated: 2025-09-03. Review status: criteria provided, single submitter. Criteria: Invitae Variant Classification Sherloc (09022015). Collection method: clinical testing. Allele origin: germline. Not counted in ClinVar's aggregate classification.
Comment: This sequence change creates a premature translational stop signal (p.Gln475Cysfs*7) in the MSH6 gene. It is expected to result in an absent or disrupted protein product. Loss-of-function variants in MSH6 are known to be pathogenic (PMID: 18269114, 24362816). This variant is present in population databases (rs63750854, gnomAD 0.0009%). This premature translational stop signal has been observed in individual(s) with rectal cancer, breast cancer, adenomatous polyps, and cafe au lait macules (PMID: 11807791, 15483016, 21039432, 27616075). Invitae Evidence Modeling of clinical and family history, age, sex, and reported ancestry of multiple individuals with this MSH6 variant has been performed. This variant is expected to be pathogenic with a positive predictive value of at least 99%. This is a validated machine learning model that incorporates the clinical features of 1,627,235 individuals referred to our laboratory for MSH6 testing. This variant is also known as 1510insTG. ClinVar contains an entry for this variant (Variation ID: 89193). For these reasons, this variant has been classified as Pathogenic.

Myriad Genetics, Inc.
Classification: Pathogenic for Lynch syndrome 5. Last evaluated: 2023-08-14. Review status: criteria provided, single submitter. Criteria: Myriad Autosomal Dominant, Autosomal Recessive and X-Linked Classification Criteria (2023). Collection method: clinical testing. Allele origin: unknown. Not counted in ClinVar's aggregate classification.
Comment: This variant is considered pathogenic. This variant creates a frameshift predicted to result in premature protein truncation.

Baylor Genetics
Classification: Pathogenic for Endometrial carcinoma. Last evaluated: 2023-07-26. Review status: criteria provided, single submitter. Criteria: ACMG Guidelines, 2015. Collection method: clinical testing. Allele origin: unknown. Not counted in ClinVar's aggregate classification.

Quest Diagnostics Nichols Institute San Juan Capistrano
Classification: Pathogenic. Last evaluated: 2023-07-12. Review status: criteria provided, single submitter. Criteria: Quest Diagnostics criteria. Collection method: clinical testing. Allele origin: unknown. Not counted in ClinVar's aggregate classification.
Comment: The MSH6 c.1421_1422dup (p.Gln475Cysfs*7) variant alters the translational reading frame of the MSH6 mRNA and causes the premature termination of MSH6 protein synthesis. In the published literature, this variant has been reported in multiple individuals and families with Lynch syndrome-associated cancers in the published literature (PMIDs: 28944238 (2017), 27616075 (2016), 25430799 (2015), 18301448 (2008), 15483016 (2004), 11807791 (2002)). In addition, it has been reported in trans with another MSH6 variant in siblings with constitutional mismatch repair deficiency syndrome (PMID: 21039432 (2011)). Based on the available information, this variant is classified as pathogenic.

Institute of Human Genetics, University of Leipzig Medical Center
Classification: Pathogenic for Lynch syndrome 5. Last evaluated: 2018-07-03. Review status: criteria provided, single submitter. Criteria: ACMG Guidelines, 2015. Collection method: clinical testing. Allele origin: germline. Affected: yes. Not counted in ClinVar's aggregate classification.

Literature cited by the submitters: PubMed 11807791 (cited by 3 submitters); PubMed 15217520 (cited by 3 submitters); PubMed 18301448 (cited by 3 submitters); PubMed 21039432 (cited by 4 submitters); PubMed 23612316 (cited by 3 submitters); PubMed 15483016 (cited by 3 submitters); PubMed 25430799 (cited by Color Diagnostics, LLC DBA Color Health and Quest Diagnostics Nichols Institute San Juan Capistrano); PubMed 27153395 (cited by Color Diagnostics, LLC DBA Color Health); PubMed 27273229 (cited by Color Diagnostics, LLC DBA Color Health); PubMed 27616075 (cited by 3 submitters); PubMed 31822864 (cited by Color Diagnostics, LLC DBA Color Health); PubMed 18269114 (cited by Labcorp Genetics (formerly Invitae), Labcorp and Quest Diagnostics Nichols Institute San Juan Capistrano); PubMed 24362816 (cited by Labcorp Genetics (formerly Invitae), Labcorp and Quest Diagnostics Nichols Institute San Juan Capistrano); PubMed 28944238 (cited by Quest Diagnostics Nichols Institute San Juan Capistrano).